The following is an entry in ClinVar:

NM_006914.4(RORB):c.16G>C (p.Glu6Gln)

Gene: RORB (RAR related orphan receptor B; plus strand). Cytogenetic location: 9q21.13.
Variant type: single nucleotide variant.
Coding change: c.16G>C on transcript NM_006914.4 (MANE Select); coding-DNA position 16, G replaced by C.
Protein change: p.Glu6Gln; replaces glutamic acid 6 with glutamine.
Molecular consequence: missense variant.
Genome position (GRCh38, 1-based): chr9:74,630,290, G>C. VCF-style: chr9-74630290-G-C. GRCh37 (hg19) VCF-style: chr9-77245206-G-C.
Other names: c.49G>C, p.Glu17Gln (NM_001365023.1); short protein forms E17Q, E6Q.
Identifiers: ClinVar variation 2874375 (VCV002874375.3), dbSNP rs1240476123, ClinGen allele CA373771879.
Genomic context (GRCh38, chr9:74,630,290, plus strand): 5'-AAAGGAGAAAGAAAACATCTGTATGCTCAAAATGTCTGTTTTCTCCTTTCAGCACAAATT[G>C]AAGTGATACCATGCAAAATTTGTGGCGATAAGTCCTCTGGGATCCACTACGGAGTCATCA-3'
Protein context (NP_008845.2, residues 1-16): MRAQI[Glu6Gln]VIPCKICGDK

ClinVar aggregate classification (germline): Uncertain significance (1 of 4 stars; one submission).

Allele frequency attached by ClinVar (database versions not stated): gnomAD 0.00001.
gnomAD v4.1: 1 of 1,612,988 alleles (0.000062%); highest among the groups gnomAD compares: Admixed American, 0.0017%; no homozygotes.

Submission:

Labcorp Genetics (formerly Invitae), Labcorp
Classification: Uncertain significance. Last evaluated: 2023-07-19. Review status: criteria provided, single submitter. Criteria: Invitae Variant Classification Sherloc (09022015). Collection method: clinical testing. Allele origin: germline.
Comment: In summary, the available evidence is currently insufficient to determine the role of this variant in disease. Therefore, it has been classified as a Variant of Uncertain Significance. This variant has not been reported in the literature in individuals affected with RORB-related conditions. This variant is present in population databases (no rsID available, gnomAD 0.1%). This sequence change replaces glutamic acid, which is acidic and polar, with glutamine, which is neutral and polar, at codon 6 of the RORB protein (p.Glu6Gln). An algorithm developed to predict the effect of missense changes on protein structure and function (PolyPhen-2) suggests that this variant is likely to be disruptive.